The following is an entry in ClinVar:

NM_174936.4(PCSK9):c.1945G>A (p.Ala649Thr)

Gene: PCSK9 (proprotein convertase subtilisin/kexin type 9; plus strand). Cytogenetic location: 1p32.3.
Variant type: single nucleotide variant.
Coding change: c.1945G>A on transcript NM_174936.4 (MANE Select); coding-DNA position 1945, G replaced by A.
Protein change: p.Ala649Thr; replaces alanine 649 with threonine.
Molecular consequence: missense variant.
Genome position (GRCh38, 1-based): chr1:55,063,450, G>A. VCF-style: chr1-55063450-G-A. GRCh37 (hg19) VCF-style: chr1-55529123-G-A.
Other names: c.2068G>A, p.Ala690Thr (NM_001407240.1); c.1987G>A, p.Ala663Thr (NM_001407241.1); c.1948G>A, p.Ala650Thr (NM_001407242.1); c.1888G>A, p.Ala630Thr (NM_001407243.1); c.1771G>A, p.Ala591Thr (NM_001407244.1); c.1753G>A, p.Ala585Thr (NM_001407245.1); c.1570G>A, p.Ala524Thr (NM_001407246.1); c.1444G>A, p.Ala482Thr (NM_001407247.1); short protein forms A649T, A482T, A650T, A524T, A591T, A585T, A630T, A663T.
Identifiers: ClinVar variation 645024 (VCV000645024.13), dbSNP rs371744393, ClinGen allele CA039821.

ClinVar aggregate classification (germline): Conflicting classifications of pathogenicity. Review status: criteria provided, conflicting classifications (1 of 4 stars). 5 submissions from 5 submitters: Uncertain significance (4); Likely benign (1). Last evaluated 2025-08-18.

Conditions:
Cardiovascular phenotype. Identifiers: MedGen CN230736.
Familial hypercholesterolemia. Also called: Familial hypercholesterolaemia; Familial hypercholesterolemias. Identifiers: MedGen C0020445, MONDO:0005439.
Hypercholesterolemia, autosomal dominant, 3 (FHCL3). Also called: PCSK9-Related Familial Hypercholesterolemia, Autosomal Dominant; Familial hypercholesterolemia 3; Familial Hypercholesterolemia, Autosomal Dominant, 3. Identifiers: MedGen C1863551, MONDO:0011369, OMIM 603776.

Allele frequency attached by ClinVar (database versions not stated): gnomAD exomes below 0.00001 and 0.00002; TOPMed below 0.00001; ExAC 0.00001; gnomAD 0.00001; ESP Exome Variant Server 0.00008.
gnomAD v4.1: 11 of 1,613,966 alleles (0.00068%); highest among the groups gnomAD compares: African/African-American, 0.0027%; no homozygotes.

Submissions (5):

Labcorp Genetics (formerly Invitae), Labcorp
Classification: Uncertain significance for Hypercholesterolemia, autosomal dominant, 3. Last evaluated: 2025-08-18. Review status: criteria provided, single submitter. Criteria: Invitae Variant Classification Sherloc (09022015). Collection method: clinical testing. Allele origin: germline.
Comment: This sequence change replaces alanine, which is neutral and non-polar, with threonine, which is neutral and polar, at codon 649 of the PCSK9 protein (p.Ala649Thr). This variant is present in population databases (rs371744393, gnomAD 0.0009%). This missense change has been observed in individual(s) with clinical features of familial hypercholesterolemia (PMID: 31491741). ClinVar contains an entry for this variant (Variation ID: 645024). Invitae Evidence Modeling of protein sequence and biophysical properties (such as structural, functional, and spatial information, amino acid conservation, physicochemical variation, residue mobility, and thermodynamic stability) indicates that this missense variant is not expected to disrupt PCSK9 protein function with a negative predictive value of 95%. In summary, the available evidence is currently insufficient to determine the role of this variant in disease. Therefore, it has been classified as a Variant of Uncertain Significance.

Ambry Genetics
Classification: Likely benign for Cardiovascular phenotype. Last evaluated: 2025-02-05. Review status: criteria provided, single submitter. Criteria: Ambry Variant Classification Scheme 2023. Collection method: clinical testing. Allele origin: germline.

All of Us Research Program, National Institutes of Health
Classification: Uncertain significance for Hypercholesterolemia, autosomal dominant, 3. Last evaluated: 2024-08-06. Review status: criteria provided, single submitter. Criteria: ACMG Guidelines, 2015. Collection method: clinical testing. Allele origin: germline. Inheritance: Autosomal dominant inheritance. Observed: 7 variant alleles, 7 heterozygotes.
Comment: This missense variant replaces alanine with threonine at codon 649 of the PCSK9 protein. Computational prediction suggests that this variant may not impact protein structure and function (internally defined REVEL score threshold <= 0.5, PMID: 27666373). To our knowledge, functional studies have not been reported for this variant. This variant has been reported in an individual affected with familial hypercholesterolemia (PMID: 31491741). This variant has been identified in 1/250484 chromosomes in the general population by the Genome Aggregation Database (gnomAD). The available evidence is insufficient to determine the role of this variant in disease conclusively. Therefore, this variant is classified as a Variant of Uncertain Significance.

This study involves interpretation of variants in research participants for the purpose of population health screening. Participant phenotype was not available at the time of variant classification. Additional details can be found in publication PMID: 35346344, PMCID: PMC8962531

Color Diagnostics, LLC DBA Color Health
Classification: Uncertain significance for Familial hypercholesterolemia. Last evaluated: 2024-07-03. Review status: criteria provided, single submitter. Criteria: ACMG Guidelines, 2015. Collection method: clinical testing. Allele origin: germline.
Comment: This missense variant replaces alanine with threonine at codon 649 of the PCSK9 protein. Computational prediction tools indicate that this variant has a neutral impact on protein structure and function. To our knowledge, functional studies have not been reported for this variant. This variant has been reported in an individual affected with familial hypercholesterolemia (PMID: 31491741). This variant has been identified in 1/250484 chromosomes in the general population by the Genome Aggregation Database (gnomAD). The available evidence is insufficient to determine the role of this variant in disease conclusively. Therefore, this variant is classified as a Variant of Uncertain Significance.

Fulgent Genetics
Classification: Uncertain significance for Hypercholesterolemia, autosomal dominant, 3. Last evaluated: 2021-10-14. Review status: criteria provided, single submitter. Criteria: ACMG Guidelines, 2015. Collection method: clinical testing. Allele origin: unknown.

Literature cited by the submitters: PubMed 31491741 (cited by 4 submitters).